The following is an entry in ClinVar:

ClinVar aggregate classification (germline): Uncertain significance (1 of 4 stars; one submission).

Conditions:
Charcot-Marie-Tooth disease axonal type 2O. Also called: Charcot-Marie-Tooth disease, axonal, type 20; CHARCOT-MARIE-TOOTH NEUROPATHY, AXONAL, TYPE 2O; CHARCOT-MARIE-TOOTH DISEASE, AXONAL, AUTOSOMAL DOMINANT, TYPE 2O; Charcot-Marie-Tooth Neuropathy Type 2O. Identifiers: Orphanet 284232, MedGen C3280220, MONDO:0013644, OMIM 614228.

Submission:

Labcorp Genetics (formerly Invitae), Labcorp
Classification: Uncertain significance for Charcot-Marie-Tooth disease axonal type 2O. Last evaluated: 2024-03-13. Review status: criteria provided, single submitter. Criteria: Invitae Variant Classification Sherloc (09022015). Collection method: clinical testing. Allele origin: germline.
Comment: This sequence change creates a premature translational stop signal (p.Trp2311*) in the DYNC1H1 gene. It is expected to result in an absent or disrupted protein product. However, the current clinical and genetic evidence is not sufficient to establish whether loss-of-function variants in DYNC1H1 cause disease. This variant is not present in population databases (gnomAD no frequency). This variant has not been reported in the literature in individuals affected with DYNC1H1-related conditions. Experimental studies and prediction algorithms are not available or were not evaluated, and the functional significance of this variant is currently unknown. In summary, the available evidence is currently insufficient to determine the role of this variant in disease. Therefore, it has been classified as a Variant of Uncertain Significance.

NM_001376.5(DYNC1H1):c.6933G>A (p.Trp2311Ter)

Gene: DYNC1H1 (dynein cytoplasmic 1 heavy chain 1; plus strand). Cytogenetic location: 14q32.31.
Variant type: single nucleotide variant.
Coding change: c.6933G>A on transcript NM_001376.5 (MANE Select); coding-DNA position 6933, G replaced by A.
Protein change: p.Trp2311Ter; replaces tryptophan 2311 with a stop codon.
Molecular consequence: nonsense.
Genome position (GRCh38, 1-based): chr14:102,012,389, G>A. VCF-style: chr14-102012389-G-A. GRCh37 (hg19) VCF-style: chr14-102478726-G-A.
Other names: short protein forms W2311*.
Identifiers: ClinVar variation 2702291 (VCV002702291.3), dbSNP rs2503757837, ClinGen allele CA391058858.
Genomic context (GRCh38, chr14:102,012,389, plus strand): 5'-GAGAGGCGAGCTGCAGAAGCGCCAGTGGATCGTCTTCGATGGCGATGTGGATCCAGAGTG[G>A]GTTGAGAACTTGAACTCAGTGCTGGATGACAATAAGCTCCTAACTTTGCCCAATGGAGAG-3'